The following is an entry in ClinVar:

ClinVar aggregate classification (germline): Uncertain significance (1 of 4 stars; one submission).

Submission:

GeneDx
Classification: Uncertain significance. Last evaluated: 2023-06-28. Review status: criteria provided, single submitter. Criteria: GeneDx Variant Classification Process June 2021. Collection method: clinical testing. Allele origin: germline. Affected: yes.
Comment: Frameshift variant predicted to result in protein truncation or nonsense mediated decay in a gene or region of a gene for which loss of function is not a well-established mechanism of disease; Not observed at significant frequency in large population cohorts (gnomAD); Has not been previously published as pathogenic or benign to our knowledge

NM_001205293.3(CACNA1E):c.794dup (p.His266fs)

Gene: CACNA1E (calcium voltage-gated channel subunit alpha1 E; plus strand). Cytogenetic location: 1q25.3.
Variant type: Duplication.
Coding change: c.794dup on transcript NM_001205293.3 (MANE Select); coding-DNA position 794, one base duplicated (C; older notation c.794dupC).
Protein change: p.His266fs; shifts the reading frame from histidine 266.
Molecular consequence: frameshift variant.
Genome position (GRCh38, 1-based): chr1:181,580,619, C duplicated; the last of 6 consecutive C bases (chr1:181,580,614-181,580,619); duplicating any one gives the same sequence. VCF-style (leftmost placement, unchanged base first): chr1-181580613-A-AC. GRCh37 (hg19) VCF-style: chr1-181549749-A-AC.
Other names: c.794dup, p.His266fs (NM_000721.4, NM_001205294.2); short protein forms H266fs.
Identifiers: ClinVar variation 3360391 (VCV003360391.1).
Genomic context (GRCh38, chr1:181,580,613, plus strand): 5'-ACACCATGTGATTTATCTCCTACCCTCCAAATGTGTCTGCAGGTATTCTAGAAGGATTTG[A>AC]CCCCCCTCACCCATGTGGTGTGCAGGGCTGCCCAGCTGGTTATGAATGCAAGGACTGGAT-3'